The following is an entry in ClinVar:

ClinVar aggregate classification (germline): Pathogenic (1 of 4 stars; one submission).

Allele frequency attached by ClinVar (database versions not stated): gnomAD exomes below 0.00001; TOPMed below 0.00001; gnomAD 0.00001.
gnomAD v4.1: 2 of 1,558,480 alleles (0.00013%); highest among the groups gnomAD compares: Non-Finnish European, 0.00018%; no homozygotes.

Submission:

Labcorp Genetics (formerly Invitae), Labcorp
Classification: Pathogenic. Last evaluated: 2023-02-03. Review status: criteria provided, single submitter. Criteria: Invitae Variant Classification Sherloc (09022015). Collection method: clinical testing. Allele origin: germline.
Comment: This variant has not been reported in the literature in individuals affected with KIF14-related conditions. This variant is not present in population databases (gnomAD no frequency). This sequence change creates a premature translational stop signal (p.Gln788*) in the KIF14 gene. It is expected to result in an absent or disrupted protein product. Loss-of-function variants in KIF14 are known to be pathogenic (PMID: 23308235, 29343805, 30388224). Algorithms developed to predict the effect of sequence changes on RNA splicing suggest that this variant may disrupt the consensus splice site. For these reasons, this variant has been classified as Pathogenic.

Literature cited by the submitters: PubMed 23308235; PubMed 29343805; PubMed 30388224.

NM_014875.3(KIF14):c.2362C>T (p.Gln788Ter)

Gene: KIF14 (kinesin family member 14; minus strand). Cytogenetic location: 1q32.1.
Variant type: single nucleotide variant.
Coding change: c.2362C>T on transcript NM_014875.3 (MANE Select); coding-DNA position 2362, C replaced by T.
Protein change: p.Gln788Ter; replaces glutamine 788 with a stop codon.
Molecular consequence: nonsense.
Genome position (GRCh38, 1-based): chr1:200,600,052, G>A on the plus strand (C>T on the coding strand, the complement: KIF14 is on the minus strand). VCF-style: chr1-200600052-G-A. GRCh37 (hg19) VCF-style: chr1-200569180-G-A.
Other names: c.889C>T, p.Gln297Ter (NM_001305792.1); short protein forms Q297*, Q788*.
Identifiers: ClinVar variation 2966528 (VCV002966528.3), dbSNP rs1252780106, ClinGen allele CA344155620.